The following is an entry in ClinVar:

ClinVar aggregate classification (germline): Uncertain significance (1 of 4 stars; one submission).

Submission:

Labcorp Genetics (formerly Invitae), Labcorp
Classification: Uncertain significance. Last evaluated: 2024-06-16. Review status: criteria provided, single submitter. Criteria: Invitae Variant Classification Sherloc (09022015). Collection method: clinical testing. Allele origin: germline.
Comment: This sequence change replaces lysine, which is basic and polar, with asparagine, which is neutral and polar, at codon 2514 of the FLNB protein (p.Lys2514Asn). This variant is not present in population databases (gnomAD no frequency). This variant has not been reported in the literature in individuals affected with FLNB-related conditions. Advanced modeling of protein sequence and biophysical properties (such as structural, functional, and spatial information, amino acid conservation, physicochemical variation, residue mobility, and thermodynamic stability) performed at Invitae indicates that this missense variant is not expected to disrupt FLNB protein function with a negative predictive value of 95%. In summary, the available evidence is currently insufficient to determine the role of this variant in disease. Therefore, it has been classified as a Variant of Uncertain Significance.

NM_001457.4(FLNB):c.7542G>T (p.Lys2514Asn)

Genes: FLNB (filamin B; plus strand), FLNB-AS1 (FLNB antisense RNA 1; minus strand). Cytogenetic location: 3p14.3.
Variant type: single nucleotide variant.
Coding change: c.7542G>T on transcript NM_001457.4 (MANE Select); coding-DNA position 7542, G replaced by T.
Protein change: p.Lys2514Asn; replaces lysine 2514 with asparagine.
Molecular consequence: missense variant.
Genome position (GRCh38, 1-based): chr3:58,169,714, G>T. VCF-style: chr3-58169714-G-T. GRCh37 (hg19) VCF-style: chr3-58155441-G-T.
Other names: c.7635G>T, p.Lys2545Asn (NM_001164317.2); c.7509G>T, p.Lys2503Asn (NM_001164318.2); c.7470G>T, p.Lys2490Asn (NM_001164319.2); short protein forms K2490N, K2503N, K2514N, K2545N.
Identifiers: ClinVar variation 3621027 (VCV003621027.2).